The following is an entry in ClinVar:

ClinVar aggregate classification (germline): Uncertain significance (1 of 4 stars; one submission).

Allele frequency attached by ClinVar (database versions not stated): ExAC 0.00059.

Submission:

GeneDx
Classification: Uncertain significance. Last evaluated: 2022-11-03. Review status: criteria provided, single submitter. Criteria: GeneDx Variant Classification Process June 2021. Collection method: clinical testing. Allele origin: germline. Affected: yes.
Comment: In silico analysis supports that this missense variant has a deleterious effect on protein structure/function; Has not been previously published as pathogenic or benign to our knowledge

NM_006922.4(SCN3A):c.4768A>G (p.Asn1590Asp)

Gene: SCN3A (sodium voltage-gated channel alpha subunit 3; minus strand). Cytogenetic location: 2q24.3.
Variant type: single nucleotide variant.
Coding change: c.4768A>G on transcript NM_006922.4 (MANE Select); coding-DNA position 4768, A replaced by G.
Protein change: p.Asn1590Asp; replaces asparagine 1590 with aspartic acid.
Molecular consequence: missense variant.
Genome position (GRCh38, 1-based): chr2:165,092,293, T>C on the plus strand (A>G on the coding strand, the complement: SCN3A is on the minus strand). VCF-style: chr2-165092293-T-C. GRCh37 (hg19) VCF-style: chr2-165948803-T-C.
Other names: c.4621A>G, p.Asn1541Asp (NM_001081676.2, NM_001081677.2); short protein forms N1541D, N1590D.
Identifiers: ClinVar variation 2501390 (VCV002501390.1), dbSNP rs756810037, ClinGen allele CA1938509.